The following is an entry in ClinVar:

ClinVar aggregate classification (germline): Likely benign. Review status: criteria provided, multiple submitters, no conflicts (2 of 4 stars). 3 submissions from 3 submitters: Likely benign (3). Last evaluated 2024-02-05.

Conditions:
Cardiomyopathy (CMYO). Also called: Cardiomyopathies. Identifiers: Orphanet 167848, MedGen C0878544, MONDO:0004994, HP:0001638. Inheritance: Various modes of inheritance.
Hypertrophic cardiomyopathy. Also called: HYPERTROPHIC MYOCARDIOPATHY. Identifiers: Orphanet 217569, MedGen C0007194, MeSH D002312, MONDO:0005045, HP:0001639.

Allele frequency attached by ClinVar (database versions not stated): gnomAD 0.00002; 1000 Genomes Project 30x 0.00016; 1000 Genomes Project 0.00020.
gnomAD v4.1: 4 of 1,563,206 alleles (0.00026%); highest among the groups gnomAD compares: East Asian, 0.0095%; no homozygotes.

Submissions (3):

All of Us Research Program, National Institutes of Health
Classification: Likely benign for Hypertrophic cardiomyopathy. Last evaluated: 2024-02-05. Review status: criteria provided, single submitter. Criteria: ACMG Guidelines, 2015. Collection method: clinical testing. Allele origin: germline. Inheritance: Autosomal dominant inheritance. Observed: 2 variant alleles, 2 heterozygotes.
Comment: This study involves interpretation of variants in research participants for the purpose of population health screening. Participant phenotype was not available at the time of variant classification. Additional details can be found in publication PMID: 35346344, PMCID: PMC8962531

Labcorp Genetics (formerly Invitae), Labcorp
Classification: Likely benign for Hypertrophic cardiomyopathy. Last evaluated: 2020-11-11. Review status: criteria provided, single submitter. Criteria: Invitae Variant Classification Sherloc (09022015). Collection method: clinical testing. Allele origin: germline.

Color Diagnostics, LLC DBA Color Health
Classification: Likely benign for Cardiomyopathy. Last evaluated: 2020-01-09. Review status: criteria provided, single submitter. Criteria: ACMG Guidelines, 2015. Collection method: clinical testing. Allele origin: germline.

NM_000256.3(MYBPC3):c.2676C>G (p.Pro892=)

Gene: MYBPC3 (myosin binding protein C3; minus strand). Cytogenetic location: 11p11.2.
Variant type: single nucleotide variant.
Coding change: c.2676C>G on transcript NM_000256.3 (MANE Select); coding-DNA position 2676, C replaced by G.
Protein change: p.Pro892=; no amino-acid change (proline 892 retained).
Molecular consequence: synonymous variant.
Genome position (GRCh38, 1-based): chr11:47,335,938, G>C on the plus strand (C>G on the coding strand, the complement: MYBPC3 is on the minus strand). VCF-style: chr11-47335938-G-C. GRCh37 (hg19) VCF-style: chr11-47357489-G-C.
Identifiers: ClinVar variation 918595 (VCV000918595.12), dbSNP rs559961809, ClinGen allele CA078903.